The following is an entry in ClinVar:

ClinVar aggregate classification (germline): Uncertain significance. Review status: criteria provided, multiple submitters, no conflicts (2 of 4 stars). 3 submissions from 3 submitters: Uncertain significance (2). 1 of the submissions does not count toward it. Last evaluated 2025-04-10.

Conditions:
Alstrom syndrome (ALMS). Identifiers: Orphanet 64, MedGen C0268425, MONDO:0008763, OMIM 203800.

Allele frequency attached by ClinVar (database versions not stated): gnomAD exomes below 0.00001.
gnomAD v4.1: 4 of 1,614,200 alleles (0.00025%); highest among the groups gnomAD compares: Non-Finnish European, 0.00025%; no homozygotes.

Submissions (3):

GeneDx
Classification: Uncertain significance. Last evaluated: 2025-04-10. Review status: criteria provided, single submitter. Criteria: GeneDx Variant Classification Process June 2021. Collection method: clinical testing. Allele origin: germline. Affected: yes.
Comment: Not observed at significant frequency in large population cohorts (gnomAD); In silico analysis supports that this missense variant has a deleterious effect on protein structure/function; Has not been previously published as pathogenic or benign to our knowledge

Labcorp Genetics (formerly Invitae), Labcorp
Classification: Uncertain significance for Alstrom syndrome. Last evaluated: 2021-09-01. Review status: criteria provided, single submitter. Criteria: Invitae Variant Classification Sherloc (09022015). Collection method: clinical testing. Allele origin: germline.

Natera, Inc.
Classification: Uncertain significance for Alstrom syndrome. Last evaluated: 2021-01-20. Review status: no assertion criteria provided. Collection method: clinical testing. Allele origin: germline. Not counted in ClinVar's aggregate classification.

NM_001378454.1(ALMS1):c.9337T>C (p.Ser3113Pro)

Gene: ALMS1 (ALMS1 centrosome and basal body associated protein; plus strand). Cytogenetic location: 2p13.1.
Variant type: single nucleotide variant.
Coding change: c.9337T>C on transcript NM_001378454.1 (MANE Select); coding-DNA position 9337, T replaced by C.
Protein change: p.Ser3113Pro; replaces serine 3113 with proline.
Molecular consequence: missense variant.
Genome position (GRCh38, 1-based): chr2:73,491,296, T>C. VCF-style: chr2-73491296-T-C. GRCh37 (hg19) VCF-style: chr2-73718423-T-C.
Other names: c.9340T>C, p.Ser3114Pro (NM_015120.4); short protein forms S3114P, S3113P.
Identifiers: ClinVar variation 666141 (VCV000666141.9), dbSNP rs1572970696, ClinGen allele CA347274186.